The following is an entry in ClinVar:

ClinVar aggregate classification (germline): Likely benign (0 of 4 stars; one submission).

Conditions:
TRIOBP-related disorder. Also called: TRIOBP-related condition.

Submission:

PreventionGenetics, part of Exact Sciences
Classification: Likely benign for TRIOBP-related condition. Last evaluated: 2019-08-26. Review status: no assertion criteria provided. Collection method: clinical testing. Allele origin: germline.
Comment: This variant is classified as likely benign based on ACMG/AMP sequence variant interpretation guidelines (Richards et al. 2015 PMID: 25741868, with internal and published modifications).

NM_001039141.3(TRIOBP):c.1962A>G (p.Arg654=)

Gene: TRIOBP (TRIO and F-actin binding protein; plus strand). Cytogenetic location: 22q13.1.
Variant type: single nucleotide variant.
Coding change: c.1962A>G on transcript NM_001039141.3 (MANE Select); coding-DNA position 1962, A replaced by G.
Protein change: p.Arg654=; no amino-acid change (arginine 654 retained).
Molecular consequence: synonymous variant.
Genome position (GRCh38, 1-based): chr22:37,724,518, A>G. VCF-style: chr22-37724518-A-G. GRCh37 (hg19) VCF-style: chr22-38120525-A-G.
Identifiers: ClinVar variation 3052349 (VCV003052349.2), dbSNP rs1242766461, ClinGen allele CA514771148.